The following is an entry in ClinVar:

ClinVar aggregate classification (germline): Conflicting classifications of pathogenicity. Review status: criteria provided, conflicting classifications (1 of 4 stars). 7 submissions from 7 submitters: Pathogenic (1); Likely pathogenic (4); Uncertain significance (1). 1 of the submissions does not count toward it. Last evaluated 2026-04-03.

Conditions:
Hereditary nonpolyposis colon cancer (HNPCC). Also called: Hereditary Nonpolyposis Colorectal Cancer Syndrome; Hereditary nonpolyposis colorectal cancer; Familial nonpolyposis colon cancer. Identifiers: Orphanet 443909, MedGen C1333990, MONDO:0018630. Disease mechanism: loss of function.
Hereditary cancer-predisposing syndrome. Also called: Tumor predisposition; Hereditary neoplastic syndrome; Hereditary Cancer Syndrome; Neoplastic Syndromes, Hereditary. Identifiers: Orphanet 140162, MedGen C0027672, MeSH D009386, MONDO:0015356.
Lynch syndrome. Identifiers: Orphanet 144, MedGen C4552100, MONDO:0005835. Disease mechanism: loss of function.
Lynch syndrome 4 (LYNCH4). Also called: Hereditary non-polyposis colorectal cancer, type 4; Colorectal cancer, hereditary nonpolyposis, type 4. Identifiers: Orphanet 144, MedGen C1838333, MONDO:0013699, OMIM 614337. Disease mechanism: loss of function.
Malignant tumor of breast. Also called: Malignant breast neoplasm; Cancer breast. Identifiers: MedGen C0006142, MONDO:0007254. Disease mechanism: loss of function.

Submissions (7):

Women's Health and Genetics/Laboratory Corporation of America, LabCorp
Classification: Likely pathogenic for Hereditary nonpolyposis colon cancer. Last evaluated: 2026-04-03. Review status: criteria provided, single submitter. Criteria: LabCorp Variant Classification Summary - May 2015. Collection method: clinical testing. Allele origin: germline.
Comment: Variant summary: PMS2 c.2445+1G>C is located in a canonical splice-site and is predicted to affect mRNA splicing resulting in a significantly altered protein due to either exon skipping, shortening, or inclusion of intronic material. Variants that disrupt the consensus splice site are a relatively common cause of aberrant splicing and loss of PMS2 function. Several computational tools predict a significant impact on normal splicing: Four predict the variant abolishes a 5 splicing donor site. However, these predictions have yet to be confirmed by functional studies. The variant was absent in 194842 control chromosomes. To our knowledge, no occurrence of c.2445+1G>C in individuals affected with PMS2-related conditions and no experimental evidence demonstrating its impact on protein function have been reported. ClinVar contains an entry for this variant (Variation ID: 237908). Based on the evidence outlined above, the variant was classified as likely pathogenic.

Dasa
Classification: Uncertain significance. Last evaluated: 2026-03-31. Review status: criteria provided, single submitter. Criteria: DASA Assertion Criteria. Collection method: clinical testing. Allele origin: germline.
Comment: NM_000535.7(PMS2):c.2445+1G>C affects a canonical splice site and is predicted to disrupt normal RNA splicing. This variant is rare in population databases. The currently available literature and clinical evidence are not sufficient to establish a definitive association between this variant and the reported condition. Therefore, this variant is classified as a variant of uncertain significance.

Myriad Genetics, Inc.
Classification: Likely pathogenic for Lynch syndrome 4. Last evaluated: 2023-09-25. Review status: criteria provided, single submitter. Criteria: Myriad Autosomal Dominant, Autosomal Recessive and X-Linked Classification Criteria (2023). Collection method: clinical testing. Allele origin: unknown.
Comment: This variant is considered likely pathogenic. This variant occurs within a consensus splice junction and is predicted to result in abnormal mRNA splicing of either an out-of-frame exon or an in-frame exon necessary for protein stability and/or normal function.

GeneDx
Classification: Pathogenic. Last evaluated: 2022-10-13. Review status: criteria provided, single submitter. Criteria: GeneDx Variant Classification Process June 2021. Collection method: clinical testing. Allele origin: germline. Affected: yes.
Comment: Canonical splice site variant predicted to result in a null allele in a gene for which loss of function is a known mechanism of disease; Not observed at significant frequency in large population cohorts (gnomAD); Has not been previously published as pathogenic or benign to our knowledge

Sema4
Classification: Likely pathogenic for Hereditary cancer-predisposing syndrome. Last evaluated: 2021-06-08. Review status: criteria provided, single submitter. Criteria: Sema4 Curation Guidelines. Collection method: curation. Allele origin: germline.
Comment: The PMS2 c.2445+1G>C variant has not been reported in the literature to our knowledge. This variant is predicted to abolish the canonical splice site leading to an abnormal or absent protein. This variant is not reported in the population database Genome Aggregation Database (PMID: 32461654). This variant has been reported in ClinVar (Variation ID: 237908). Based on the current evidence available, this variant is interpreted as likely pathogenic.

Labcorp Genetics (formerly Invitae), Labcorp
Classification: Likely pathogenic for Hereditary nonpolyposis colorectal neoplasms. Last evaluated: 2015-11-05. Review status: criteria provided, single submitter. Criteria: Invitae Variant Classification Sherloc (09022015). Collection method: clinical testing. Allele origin: germline.
Comment: This sequence change affects a donor splice site in intron 14. It is expected to disrupt mRNA splicing and likely results in an absent or disrupted protein product. While this particular variant has not been reported in the literature, truncating variants in PMS2 are known to be pathogenic (PMID:20205264). For these reasons, this variant has been classified as Likely Pathogenic.

Department of Pathology and Laboratory Medicine, Sinai Health System
Classification: Pathogenic for Malignant tumor of breast. Review status: no assertion criteria provided. Collection method: clinical testing. Allele origin: unknown. Affected: yes. Study: The Canadian Open Genetics Repository (COGR). Not counted in ClinVar's aggregate classification.
Comment: The PMS2 c.2445+1G>T variant was identified in 3 of 1152 proband chromosomes (frequency: 0.003) from individuals or families with Lynch syndrome or colorectal cancer (Niessen 2009, Suerink 2015, ten Broeke 2015). The variant was also identified in dbSNP (ID: rs876661113) as "With Likely pathogenic, Pathogenic allele" and ClinVar (classified as pathogenic by Invitae, ARUP, Ambry Genetics and GeneDx). The variant was not identified in the following control databases: the Exome Aggregation Consortium (August 8th 2016) or the Genome Aggregation Database (Feb 27, 2017). The c.2445+1G>T variant is predicted to cause abnormal splicing because the nucleotide substitution occurs in the invariant region of the splice consensus sequence. In addition, 4 of 4 in silico or computational prediction software programs (SpliceSiteFinder, MaxEntScan, NNSPLICE, GeneSplicer) predict a greater than 10% difference in splicing. Further, RNA-based mutation scanning found this variant produced two aberrant splice products in cultured lymphocyte RNA (van der Klift 2015). In summary, based on the above information, this variant meets our laboratoryâ€šÃ„Ã´s criteria to be classified as pathogenic.

NM_000535.7(PMS2):c.2445+1G>C

Gene: PMS2 (PMS1 homolog 2, mismatch repair system component; minus strand). Cytogenetic location: 7p22.1.
Variant type: single nucleotide variant.
Coding change: c.2445+1G>C on transcript NM_000535.7 (MANE Select); the canonical splice donor site of the intron after coding-DNA position 2445, G replaced by C.
Molecular consequence: splice donor variant.
Genome position (GRCh38, 1-based): chr7:5,977,587, C>G on the plus strand (G>C on the coding strand, the complement: PMS2 is on the minus strand). VCF-style: chr7-5977587-C-G. GRCh37 (hg19) VCF-style: chr7-6017218-C-G.
Other names: c.1872+1G>C (NM_001406909.1, NM_001322013.2, NM_001406908.1); c.1884+1G>C (NM_001406907.1, NM_001322010.2, NM_001406906.1); c.2040+1G>C (NM_001406892.1, NM_001406890.1, NM_001406891.1 and 11 more transcripts); c.2073+1G>C (NM_001406888.1, NM_001406887.1, NM_001322009.2); c.2136+1G>C (NM_001406880.1, NM_001406878.1, NM_001406881.1 and 4 more transcripts); c.2079+1G>C (NM_001406886.1); c.2121+1G>C (NM_001406884.1); c.2277+1G>C (NM_001406874.1, NM_001406872.1); and 20 more.
Identifiers: ClinVar variation 237908 (VCV000237908.11), dbSNP rs876661113, ClinGen allele CA10582495.
Genomic context (GRCh38, chr7:5,977,587, plus strand): 5'-GAGACCTTCCTCGACTGCAAGCTTGAGCAGCTGAGCTGACAGCCAGGCTTTCTTTACTTA[C>G]CGACTTCCGGCAGGCTCTGGAGGCAAACATCTGCTTGACTCGGGAAGGCCGGCACATGAC-3'